The following is an entry in ClinVar:

NM_000094.4(COL7A1):c.6454C>T (p.Pro2152Ser)

Gene: COL7A1 (collagen type VII alpha 1 chain; minus strand). Cytogenetic location: 3p21.31.
Variant type: single nucleotide variant.
Coding change: c.6454C>T on transcript NM_000094.4 (MANE Select); coding-DNA position 6454, C replaced by T.
Protein change: p.Pro2152Ser; replaces proline 2152 with serine.
Molecular consequence: missense variant.
Genome position (GRCh38, 1-based): chr3:48,574,490, G>A on the plus strand (C>T on the coding strand, the complement: COL7A1 is on the minus strand). VCF-style: chr3-48574490-G-A. GRCh37 (hg19) VCF-style: chr3-48611923-G-A.
Other names: short protein forms P2152S.
Identifiers: ClinVar variation 1383926 (VCV001383926.6), dbSNP rs780806207, ClinGen allele CA352658263.

ClinVar aggregate classification (germline): Uncertain significance (1 of 4 stars; one submission).

Submission:

Labcorp Genetics (formerly Invitae), Labcorp
Classification: Uncertain significance. Last evaluated: 2023-07-10. Review status: criteria provided, single submitter. Criteria: Invitae Variant Classification Sherloc (09022015). Collection method: clinical testing. Allele origin: germline.
Comment: In summary, the available evidence is currently insufficient to determine the role of this variant in disease. Therefore, it has been classified as a Variant of Uncertain Significance. Advanced modeling of protein sequence and biophysical properties (such as structural, functional, and spatial information, amino acid conservation, physicochemical variation, residue mobility, and thermodynamic stability) performed at Invitae indicates that this missense variant is not expected to disrupt COL7A1 protein function. ClinVar contains an entry for this variant (Variation ID: 1383926). This variant has not been reported in the literature in individuals affected with COL7A1-related conditions. This variant is not present in population databases (gnomAD no frequency). This sequence change replaces proline, which is neutral and non-polar, with serine, which is neutral and polar, at codon 2152 of the COL7A1 protein (p.Pro2152Ser).